The following is an entry in ClinVar:

NM_001367624.2(ZNF469):c.4216G>T (p.Asp1406Tyr)

Gene: ZNF469 (zinc finger protein 469; plus strand). Cytogenetic location: 16q24.2.
Variant type: single nucleotide variant.
Coding change: c.4216G>T on transcript NM_001367624.2 (MANE Select); coding-DNA position 4216, G replaced by T.
Protein change: p.Asp1406Tyr; replaces aspartic acid 1406 with tyrosine.
Molecular consequence: missense variant.
Genome position (GRCh38, 1-based): chr16:88,431,686, G>T. VCF-style: chr16-88431686-G-T. GRCh37 (hg19) VCF-style: chr16-88498094-G-T.
Other names: NM_001127464.1:c.4132G>T; NM_001127464.2:c.4132G>T; short protein forms D1406Y.
Identifiers: ClinVar variation 320918 (VCV000320918.18), dbSNP rs557997233, ClinGen allele CA8224922.

ClinVar aggregate classification (germline): Likely benign. Review status: criteria provided, multiple submitters, no conflicts (2 of 4 stars). 5 submissions from 5 submitters: Likely benign (5). Last evaluated 2026-03-04.

Conditions:
ZNF469-related disorder. Also called: ZNF469-related condition.
Cardiovascular phenotype. Identifiers: MedGen CN230736.

Allele frequency attached by ClinVar (database versions not stated): ExAC 0.00011; TOPMed 0.00013; gnomAD 0.00045 and 0.00046; gnomAD exomes 0.00057.
gnomAD v4.1: 487 of 1,550,430 alleles (0.031%); highest among the groups gnomAD compares: East Asian, 0.093%; 3 homozygotes.

Submissions (5):

PreventionGenetics, part of Exact Sciences
Classification: Likely benign for ZNF469-related condition. Last evaluated: 2026-03-04. Review status: criteria provided, single submitter. Criteria: ACMG Guidelines, 2015. Collection method: clinical testing. Allele origin: germline.
Comment: This variant is classified as likely benign based on ACMG/AMP sequence variant interpretation guidelines (Richards et al. 2015 PMID: 25741868, with internal and published modifications).

Labcorp Genetics (formerly Invitae), Labcorp
Classification: Likely benign. Last evaluated: 2026-01-29. Review status: criteria provided, single submitter. Criteria: Invitae Variant Classification Sherloc (09022015). Collection method: clinical testing. Allele origin: germline.

Blueprint Genetics
Classification: Likely benign. Last evaluated: 2024-09-13. Review status: criteria provided, single submitter. Criteria: ACMG Guidelines, 2015. Collection method: clinical testing. Allele origin: germline.

Ambry Genetics
Classification: Likely benign for Cardiovascular phenotype. Last evaluated: 2022-01-19. Review status: criteria provided, single submitter. Criteria: Ambry Variant Classification Scheme 2023. Collection method: clinical testing. Allele origin: germline.

GeneDx
Classification: Likely benign. Last evaluated: 2021-05-20. Review status: criteria provided, single submitter. Criteria: GeneDx Variant Classification Process June 2021. Collection method: clinical testing. Allele origin: germline. Affected: yes.